The following is an entry in ClinVar:

ClinVar aggregate classification (germline): Pathogenic (1 of 4 stars; one submission).

Submission:

Labcorp Genetics (formerly Invitae), Labcorp
Classification: Pathogenic. Last evaluated: 2025-03-17. Review status: criteria provided, single submitter. Criteria: Invitae Variant Classification Sherloc (09022015). Collection method: clinical testing. Allele origin: germline.
Comment: This sequence change creates a premature translational stop signal (p.Thr250Asnfs*10) in the NOTCH3 gene. It is expected to result in an absent or disrupted protein product. Loss-of-function variants in NOTCH3 are known to be pathogenic (PMID: 25870235, 32980981, 38824264). This variant is not present in population databases (gnomAD no frequency). This variant has not been observed in the literature in individuals with autosomal recessive NOTCH3-related conditions. This variant has been reported in individual(s) with autosomal dominant cerebral arteriopathy with subcortical infarcts and leukoencephalopathy (internal data); however, the role of the variant in this condition is currently unclear. ClinVar contains an entry for this variant (Variation ID: 2033522). For these reasons, this variant has been classified as Pathogenic.

Literature cited by the submitters: PubMed 25870235; PubMed 32980981; PubMed 38824264.

NM_000435.3(NOTCH3):c.748dup (p.Thr250fs)

Gene: NOTCH3 (notch receptor 3; minus strand). Cytogenetic location: 19p13.12.
Variant type: Duplication.
Coding change: c.748dup on transcript NM_000435.3 (MANE Select); coding-DNA position 748, one base duplicated (A; older notation c.748dupA).
Protein change: p.Thr250fs; shifts the reading frame from threonine 250.
Molecular consequence: frameshift variant.
Genome position (GRCh38, 1-based): chr19:15,191,799, T duplicated on the plus strand (A on the coding strand, the reverse complement: NOTCH3 is on the minus strand). VCF-style (leftmost placement, unchanged base first): chr19-15191798-G-GT. GRCh37 (hg19) VCF-style: chr19-15302609-G-GT.
Other names: short protein forms T250fs.
Identifiers: ClinVar variation 2033522 (VCV002033522.4), dbSNP rs2512665006, ClinGen allele CA2580096672.
Genomic context (GRCh38, chr19:15,191,798, plus strand): 5'-TGCCCACCTGTCCACTCAGGAGGGCACTGGCAGTTATAGGTGTTGACGCCATCCACGCAT[G>GT]TCCCCCCATTGAGACATCGGTGTCCTGGACAGTCGTCCACGTTCACTTCACAATTCTGAC-3'